The following is an entry in ClinVar:

NM_001103.4(ACTN2):c.1462G>T (p.Asp488Tyr)

Gene: ACTN2 (actinin alpha 2; plus strand). Cytogenetic location: 1q43.
Variant type: single nucleotide variant.
Coding change: c.1462G>T on transcript NM_001103.4 (MANE Select); coding-DNA position 1462, G replaced by T.
Protein change: p.Asp488Tyr; replaces aspartic acid 488 with tyrosine.
Molecular consequence: missense variant.
Genome position (GRCh38, 1-based): chr1:236,747,722, G>T. VCF-style: chr1-236747722-G-T. GRCh37 (hg19) VCF-style: chr1-236911022-G-T.
Other names: c.1462G>T, p.Asp488Tyr (NM_001278343.2); c.838G>T, p.Asp280Tyr (NM_001278344.2); short protein forms D488Y, D280Y.
Identifiers: ClinVar variation 532041 (VCV000532041.9), dbSNP rs1553303427, ClinGen allele CA345384000.

ClinVar aggregate classification (germline): Uncertain significance (1 of 4 stars; one submission).

Conditions:
Dilated cardiomyopathy 1AA (CMD1AA). Also called: CARDIOMYOPATHY, DILATED, 1AA, WITH OR WITHOUT LEFT VENTRICULAR NONCOMPACTION; CARDIOMYOPATHY, FAMILIAL HYPERTROPHIC, 23, WITH OR WITHOUT LEFT VENTRICULAR NONCOMPACTION; Cardiomyopathy, dilated, 1AA, with or without LVNC. Identifiers: Orphanet 154, MedGen C2677338, MONDO:0012808, OMIM 612158.
Primary familial hypertrophic cardiomyopathy (HCM). Identifiers: Orphanet 99739, MedGen C0949658, MeSH D024741, MONDO:0024573. Inheritance: Various modes of inheritance.

Submission:

Labcorp Genetics (formerly Invitae), Labcorp
Classification: Uncertain significance for Primary familial hypertrophic cardiomyopathy; Dilated cardiomyopathy 1AA. Last evaluated: 2017-08-18. Review status: criteria provided, single submitter. Criteria: Invitae Variant Classification Sherloc (09022015). Collection method: clinical testing. Allele origin: germline.
Comment: In summary, the available evidence is currently insufficient to determine the role of this variant in disease. Therefore, it has been classified as a Variant of Uncertain Significance. Algorithms developed to predict the effect of missense changes on protein structure and function (SIFT, PolyPhen-2, Align-GVGD) all suggest that this variant is likely to be disruptive, but these predictions have not been confirmed by published functional studies and their clinical significance is uncertain. This variant has not been reported in the literature in individuals with ACTN2-related disease. This variant is not present in population databases (ExAC no frequency). This sequence change replaces aspartic acid with tyrosine at codon 488 of the ACTN2 protein (p.Asp488Tyr). The aspartic acid residue is highly conserved and there is a large physicochemical difference between aspartic acid and tyrosine.